The following is an entry in ClinVar:

ClinVar aggregate classification (germline): Uncertain significance (1 of 4 stars; one submission).

Conditions:
Spastic paraplegia. Identifiers: MedGen C0037772, HP:0001258.

Allele frequency attached by ClinVar (database versions not stated): gnomAD exomes below 0.00001; TOPMed below 0.00001; gnomAD 0.00001.
gnomAD v4.1: 5 of 1,207,063 alleles (0.00041%); highest among the groups gnomAD compares: Non-Finnish European, 0.00056%; no homozygotes.

Submission:

Labcorp Genetics (formerly Invitae), Labcorp
Classification: Uncertain significance for Spastic paraplegia. Last evaluated: 2024-02-26. Review status: criteria provided, single submitter. Criteria: Invitae Variant Classification Sherloc (09022015). Collection method: clinical testing. Allele origin: germline.
Comment: This sequence change replaces arginine, which is basic and polar, with glutamine, which is neutral and polar, at codon 1459 of the KDM5C protein (p.Arg1459Gln). This variant is not present in population databases (gnomAD no frequency). This variant has not been reported in the literature in individuals affected with KDM5C-related conditions. ClinVar contains an entry for this variant (Variation ID: 1985443). Advanced modeling of protein sequence and biophysical properties (such as structural, functional, and spatial information, amino acid conservation, physicochemical variation, residue mobility, and thermodynamic stability) performed at Invitae indicates that this missense variant is not expected to disrupt KDM5C protein function with a negative predictive value of 95%. In summary, the available evidence is currently insufficient to determine the role of this variant in disease. Therefore, it has been classified as a Variant of Uncertain Significance.

NM_004187.5(KDM5C):c.4376G>A (p.Arg1459Gln)

Gene: KDM5C (lysine demethylase 5C; minus strand). Cytogenetic location: Xp11.22.
Variant type: single nucleotide variant.
Coding change: c.4376G>A on transcript NM_004187.5 (MANE Select); coding-DNA position 4376, G replaced by A.
Protein change: p.Arg1459Gln; replaces arginine 1459 with glutamine.
Molecular consequence: missense variant. On other transcripts: intron variant (5).
Genome position (GRCh38, 1-based): chrX:53,193,274, C>T on the plus strand (G>A on the coding strand, the complement: KDM5C is on the minus strand). VCF-style: chrX-53193274-C-T. GRCh37 (hg19) VCF-style: chrX-53222456-C-T.
Other names: c.4373G>A, p.Arg1458Gln (NM_001282622.3); c.4367G>A, p.Arg1456Gln (NM_001353978.3); c.4305+163G>A (NM_001353982.2); c.4314+163G>A (NM_001353979.2); c.4308+163G>A (NM_001353981.2, NM_001353984.2); c.4046+224G>A (NM_001146702.2); short protein forms R1458Q, R1459Q, R1456Q.
Identifiers: ClinVar variation 1985443 (VCV001985443.4), dbSNP rs1934560017, ClinGen allele CA413104863.